The following is an entry in ClinVar:

NM_001349253.2(SCN11A):c.5048T>A (p.Met1683Lys)

Gene: SCN11A (sodium voltage-gated channel alpha subunit 11; minus strand). Cytogenetic location: 3p22.2.
Variant type: single nucleotide variant.
Coding change: c.5048T>A on transcript NM_001349253.2 (MANE Select); coding-DNA position 5048, T replaced by A.
Protein change: p.Met1683Lys; replaces methionine 1683 with lysine.
Molecular consequence: missense variant.
Genome position (GRCh38, 1-based): chr3:38,847,022, A>T on the plus strand (T>A on the coding strand, the complement: SCN11A is on the minus strand). VCF-style: chr3-38847022-A-T. GRCh37 (hg19) VCF-style: chr3-38888513-A-T.
Other names: c.5048T>A, p.Met1683Lys (NM_014139.3); short protein forms M1683K.
Identifiers: ClinVar variation 4818872 (VCV004818872.1).

ClinVar aggregate classification (germline): Uncertain significance (1 of 4 stars; one submission).

Conditions:
Familial episodic pain syndrome with predominantly lower limb involvement. Also called: Episodic pain syndrome, familial, 3. Identifiers: Orphanet 391384, Orphanet 391392, MedGen C3809899, MONDO:0014247, OMIM 615552.

Submission:

MVZ Medizinische Genetik Mainz
Classification: Uncertain significance for Familial episodic pain syndrome with predominantly lower limb involvement. Last evaluated: 2026-03-03. Review status: criteria provided, single submitter. Criteria: UK Practice Guidelines For Variant Classification V4 01 2020. Collection method: clinical testing. Allele origin: germline. Inheritance: Autosomal dominant inheritance. Affected: yes. Observed: 1 variant allele.
Comment: ACMG Criteria: PP3_MOD,PM2_SUP